The following is an entry in ClinVar:

ClinVar aggregate classification (germline): Benign/Likely benign. Review status: criteria provided, multiple submitters, no conflicts (2 of 4 stars). 2 submissions from 2 submitters: Benign (1); Likely benign (1). Last evaluated 2026-01-28.

Conditions:
LAMA2-related muscular dystrophy (LAMA2-RD). Also called: Laminin alpha 2-related dystrophy. Identifiers: MedGen C5679788, MONDO:0100228.

Allele frequency attached by ClinVar (database versions not stated): gnomAD 0.00004; gnomAD exomes 0.00006 and 0.00031; TOPMed 0.00014; ExAC 0.00019.
gnomAD v4.1: 94 of 1,602,948 alleles (0.0059%); highest among the groups gnomAD compares: Admixed American, 0.15%; no homozygotes.

Submissions (2):

Labcorp Genetics (formerly Invitae), Labcorp
Classification: Benign for LAMA2-related muscular dystrophy. Last evaluated: 2026-01-28. Review status: criteria provided, single submitter. Criteria: Invitae Variant Classification Sherloc (09022015). Collection method: clinical testing. Allele origin: germline.

GeneDx
Classification: Likely benign. Last evaluated: 2017-12-13. Review status: criteria provided, single submitter. Criteria: GeneDx Variant Classification (06012015). Collection method: clinical testing. Allele origin: germline. Affected: yes.
Comment: This variant is considered likely benign or benign based on one or more of the following criteria: it is a conservative change, it occurs at a poorly conserved position in the protein, it is predicted to be benign by multiple in silico algorithms, and/or has population frequency not consistent with disease.

NM_000426.4(LAMA2):c.8075+16C>T

Gene: LAMA2 (laminin subunit alpha 2; plus strand). Cytogenetic location: 6q22.33.
Variant type: single nucleotide variant.
Coding change: c.8075+16C>T on transcript NM_000426.4 (MANE Select); 16 bases into the intron after coding-DNA position 8075, C replaced by T.
Molecular consequence: intron variant.
Genome position (GRCh38, 1-based): chr6:129,492,093, C>T. VCF-style: chr6-129492093-C-T. GRCh37 (hg19) VCF-style: chr6-129813238-C-T.
Other names: c.8063+16C>T (NM_001079823.2).
Identifiers: ClinVar variation 514036 (VCV000514036.9), dbSNP rs776913896, ClinGen allele CA3994725.
Genomic context (GRCh38, chr6:129,492,093, plus strand): 5'-TCCTCCTTTTGAAGGCTGCATATGGAATCTTGTTATTAACTCTGTGTAAGTGGATCTCCT[C>T]ATTACTACTACTAATTTTTTATTTTTATTTCTTGCTATTAGGGGTCCCAATGCATCTACA-3'